The following is an entry in ClinVar:

ClinVar aggregate classification (germline): Pathogenic/Likely pathogenic. Review status: criteria provided, multiple submitters, no conflicts (2 of 4 stars). 2 submissions from 2 submitters: Pathogenic (1); Likely pathogenic (1). Last evaluated 2024-08-05.

Conditions:
ELAC2-related disorders.
Combined oxidative phosphorylation defect type 17. Also called: Combined oxidative phosphorylation deficiency 17. Identifiers: Orphanet 369913, MedGen C3809526, MONDO:0014190, OMIM 615440.

Submissions (2):

Blueprint Genetics
Classification: Likely pathogenic for ELAC2-related disorders. Last evaluated: 2024-08-05. Review status: criteria provided, single submitter. Criteria: ACMG Guidelines, 2015. Collection method: clinical testing. Allele origin: germline. Affected: yes. Observed: 3 variant alleles.

Labcorp Genetics (formerly Invitae), Labcorp
Classification: Pathogenic for Combined oxidative phosphorylation defect type 17. Last evaluated: 2023-12-25. Review status: criteria provided, single submitter. Criteria: Invitae Variant Classification Sherloc (09022015). Collection method: clinical testing. Allele origin: germline.
Comment: This sequence change creates a premature translational stop signal (p.Leu576Phefs*40) in the ELAC2 gene. It is expected to result in an absent or disrupted protein product. Loss-of-function variants in ELAC2 are known to be pathogenic (PMID: 27769300, 31045291). This variant is present in population databases (rs764570495, gnomAD 0.005%). This variant has not been reported in the literature in individuals affected with ELAC2-related conditions. ClinVar contains an entry for this variant (Variation ID: 2147356). For these reasons, this variant has been classified as Pathogenic.

Literature cited by the submitters: PubMed 27769300 (cited by Labcorp Genetics (formerly Invitae), Labcorp); PubMed 31045291 (cited by Labcorp Genetics (formerly Invitae), Labcorp).

NM_018127.7(ELAC2):c.1727dup (p.Leu576fs)

Gene: ELAC2 (elaC ribonuclease Z 2; minus strand). Cytogenetic location: 17p12.
Variant type: Duplication.
Coding change: c.1727dup on transcript NM_018127.7 (MANE Select); coding-DNA position 1727, one base duplicated (T; older notation c.1727dupT).
Protein change: p.Leu576fs; shifts the reading frame from leucine 576.
Molecular consequence: frameshift variant.
Genome position (GRCh38, 1-based): chr17:12,995,784, A duplicated on the plus strand (T on the coding strand, the reverse complement: ELAC2 is on the minus strand); the first of 3 consecutive A bases (chr17:12,995,784-12,995,786); duplicating any one gives the same sequence. VCF-style (leftmost placement, unchanged base first): chr17-12995783-C-CA. GRCh37 (hg19) VCF-style: chr17-12899100-C-CA.
Other names: c.1607dup, p.Leu536fs (NM_001165962.2); c.1724dup, p.Leu575fs (NM_173717.2); short protein forms L576fs, L536fs, L575fs.
Identifiers: ClinVar variation 2147356 (VCV002147356.5), dbSNP rs764570495, ClinGen allele CA8401081.